The following is an entry in ClinVar:

NM_000018.4(ACADVL):c.428G>A (p.Gly143Asp)

Gene: ACADVL (acyl-CoA dehydrogenase very long chain; plus strand). Cytogenetic location: 17p13.1.
Variant type: single nucleotide variant.
Coding change: c.428G>A on transcript NM_000018.4 (MANE Select); coding-DNA position 428, G replaced by A.
Protein change: p.Gly143Asp; replaces glycine 143 with aspartic acid.
Molecular consequence: missense variant.
Genome position (GRCh38, 1-based): chr17:7,221,009, G>A. VCF-style: chr17-7221009-G-A. GRCh37 (hg19) VCF-style: chr17-7124328-G-A.
Other names: c.362G>A, p.Gly121Asp (NM_001033859.3); c.497G>A, p.Gly166Asp (NM_001270447.2); c.200G>A, p.Gly67Asp (NM_001270448.2); short protein forms G143D, G67D, G166D, G121D.
Identifiers: ClinVar variation 618507 (VCV000618507.20), dbSNP rs1458941582, ClinGen allele CA397722884.

ClinVar aggregate classification (germline): Conflicting classifications of pathogenicity. Review status: criteria provided, conflicting classifications (1 of 4 stars). 6 submissions from 6 submitters: Pathogenic (1); Uncertain significance (3). 2 of the submissions do not count toward it. Last evaluated 2025-09-15.

Conditions:
ACADVL-related disorder. Also called: ACADVL-related condition.
Very long chain acyl-CoA dehydrogenase deficiency (ACADVLD). Also called: VLCAD Deficiency; Very Long-Chain Acyl-Coenzyme A Dehydrogenase Deficiency. Identifiers: Orphanet 26793, MedGen C3887523, MONDO:0008723, OMIM 201475.

Allele frequency attached by ClinVar (database versions not stated): TOPMed below 0.00001; gnomAD 0.00001.
gnomAD v4.1: 1 of 1,613,860 alleles (0.000062%); highest among the groups gnomAD compares: Non-Finnish European, 0.000085%; no homozygotes.

Submissions (6):

Labcorp Genetics (formerly Invitae), Labcorp
Classification: Pathogenic for Very long chain acyl-CoA dehydrogenase deficiency. Last evaluated: 2025-09-15. Review status: criteria provided, single submitter. Criteria: Invitae Variant Classification Sherloc (09022015). Collection method: clinical testing. Allele origin: germline.
Comment: This sequence change replaces glycine, which is neutral and non-polar, with aspartic acid, which is acidic and polar, at codon 143 of the ACADVL protein (p.Gly143Asp). This variant is not present in population databases (gnomAD no frequency). This missense change has been observed in individual(s) with very long chain acyl-CoA dehydrogenase deficiency (internal data). In at least one individual the data is consistent with being in trans (on the opposite chromosome) from a pathogenic variant. ClinVar contains an entry for this variant (Variation ID: 618507). Invitae Evidence Modeling of protein sequence and biophysical properties (such as structural, functional, and spatial information, amino acid conservation, physicochemical variation, residue mobility, and thermodynamic stability) indicates that this missense variant is expected to disrupt ACADVL protein function with a positive predictive value of 80%. For these reasons, this variant has been classified as Pathogenic.

Blueprint Genetics
Classification: Uncertain significance. Last evaluated: 2021-05-31. Review status: criteria provided, single submitter. Criteria: ACMG Guidelines, 2015. Collection method: clinical testing. Allele origin: germline.

Wong Mito Lab, Molecular and Human Genetics, Baylor College of Medicine
Classification: Uncertain significance for Very long chain acyl-CoA dehydrogenase deficiency. Last evaluated: 2019-11-01. Review status: criteria provided, single submitter. Criteria: ACMG Guidelines, 2015. Collection method: clinical testing. Allele origin: germline.
Comment: The NM_000018.3:c.428G>A (NP_000009.1:p.Gly143Asp) [GRCH38: NC_000017.11:g.7221009G>A] variant in ACADVL gene is interpretated to be Uncertain Significance based on ACMG guidelines (PMID: 25741868). This variant has been reported.This variant dose not meet any evidence codes reported in the ACMG guidelines.

ARUP Laboratories, Molecular Genetics and Genomics, ARUP Laboratories
Classification: Uncertain significance. Last evaluated: 2017-10-31. Review status: criteria provided, single submitter. Criteria: ARUP Molecular Germline Variant Investigation Process. Collection method: clinical testing. Allele origin: germline.

Natera, Inc.
Classification: Uncertain significance for Very long chain acyl-CoA dehydrogenase deficiency. Last evaluated: 2025-01-11. Review status: no assertion criteria provided. Collection method: clinical testing. Allele origin: germline. Not counted in ClinVar's aggregate classification.

PreventionGenetics, part of Exact Sciences
Classification: Uncertain significance for ACADVL-related condition. Last evaluated: 2024-05-07. Review status: no assertion criteria provided. Collection method: clinical testing. Allele origin: germline. Not counted in ClinVar's aggregate classification.
Comment: The ACADVL c.428G>A variant is predicted to result in the amino acid substitution p.Gly143Asp. This variant has been reported in an affected individual in a study using whole-exome sequencing to confirm newborn screening results; however, the zygosity or presence of another variant were not specified (Table S5, Adhikari et al. 2020. PubMed ID: 32778825). It has not been reported in a large population database, indicating this variant is rare. Although we suspect that this variant may be pathogenic, at this time, the clinical significance of this variant is uncertain due to the absence of conclusive functional and genetic evidence.